The following is an entry in ClinVar:

NM_001012759.3(CTU2):c.1226A>C (p.Gln409Pro)

Gene: CTU2 (cytosolic thiouridylase subunit 2; plus strand). Cytogenetic location: 16q24.3.
Variant type: single nucleotide variant.
Coding change: c.1226A>C on transcript NM_001012759.3 (MANE Select); coding-DNA position 1226, A replaced by C.
Protein change: p.Gln409Pro; replaces glutamine 409 with proline.
Molecular consequence: missense variant.
Genome position (GRCh38, 1-based): chr16:88,714,611, A>C. VCF-style: chr16-88714611-A-C. GRCh37 (hg19) VCF-style: chr16-88781019-A-C.
Other names: c.1226A>C, p.Gln409Pro (NM_001012762.3); c.1439A>C, p.Gln480Pro (NM_001318507.2); c.965A>C, p.Gln322Pro (NM_001318513.2); short protein forms Q322P, Q409P, Q480P.
Identifiers: ClinVar variation 3048485 (VCV003048485.4), dbSNP rs150644843, ClinGen allele CA8230957.

ClinVar aggregate classification (germline): Likely benign. Review status: criteria provided, single submitter (1 of 4 stars). 2 submissions from 2 submitters: Likely benign (1). 1 of the submissions does not count toward it. Last evaluated 2025-07-14.

Conditions:
CTU2-related disorder. Also called: CTU2-related condition.

Allele frequency attached by ClinVar (database versions not stated): 1000 Genomes Project 30x 0.00062; TOPMed 0.00023; gnomAD exomes 0.00026; gnomAD 0.00031; ExAC 0.00062; 1000 Genomes Project 0.00080.
gnomAD v4.1: 437 of 1,612,624 alleles (0.027%); highest among the groups gnomAD compares: East Asian, 0.33%; no homozygotes.

Submissions (2):

Labcorp Genetics (formerly Invitae), Labcorp
Classification: Likely benign. Last evaluated: 2025-07-14. Review status: criteria provided, single submitter. Criteria: Invitae Variant Classification Sherloc (09022015). Collection method: clinical testing. Allele origin: germline.

PreventionGenetics, part of Exact Sciences
Classification: Likely benign for CTU2-related condition. Last evaluated: 2022-04-28. Review status: no assertion criteria provided. Collection method: clinical testing. Allele origin: germline. Not counted in ClinVar's aggregate classification.
Comment: This variant is classified as likely benign based on ACMG/AMP sequence variant interpretation guidelines (Richards et al. 2015 PMID: 25741868, with internal and published modifications).